The following is an entry in ClinVar:

ClinVar aggregate classification (germline): Uncertain significance (1 of 4 stars; one submission).

Conditions:
Spastic paraplegia. Identifiers: MedGen C0037772, HP:0001258.

Submission:

Labcorp Genetics (formerly Invitae), Labcorp
Classification: Uncertain significance for Spastic paraplegia. Last evaluated: 2018-07-18. Review status: criteria provided, single submitter. Criteria: Invitae Variant Classification Sherloc (09022015). Collection method: clinical testing. Allele origin: germline.
Comment: Algorithms developed to predict the effect of missense changes on protein structure and function (SIFT, PolyPhen-2, Align-GVGD) all suggest that this variant is likely to be tolerated, but these predictions have not been confirmed by published functional studies and their clinical significance is uncertain. In summary, the available evidence is currently insufficient to determine the role of this variant in disease. Therefore, it has been classified as a Variant of Uncertain Significance. This variant has not been reported in the literature in individuals with ZFYVE26-related disease. This variant is not present in population databases (ExAC no frequency). This sequence change replaces histidine with glutamine at codon 1957 of the ZFYVE26 protein (p.His1957Gln). The histidine residue is moderately conserved and there is a small physicochemical difference between histidine and glutamine.

NM_015346.4(ZFYVE26):c.5871C>G (p.His1957Gln)

Gene: ZFYVE26 (zinc finger FYVE-type containing 26; minus strand). Cytogenetic location: 14q24.1.
Variant type: single nucleotide variant.
Coding change: c.5871C>G on transcript NM_015346.4 (MANE Select); coding-DNA position 5871, C replaced by G.
Protein change: p.His1957Gln; replaces histidine 1957 with glutamine.
Molecular consequence: missense variant.
Genome position (GRCh38, 1-based): chr14:67,766,367, G>C on the plus strand (C>G on the coding strand, the complement: ZFYVE26 is on the minus strand). VCF-style: chr14-67766367-G-C. GRCh37 (hg19) VCF-style: chr14-68233084-G-C.
Other names: short protein forms H1957Q.
Identifiers: ClinVar variation 655705 (VCV000655705.8), dbSNP rs757790246, ClinGen allele CA390165861.